The following is an entry in ClinVar:

ClinVar aggregate classification (germline): Likely benign (1 of 4 stars; one submission).

Conditions:
PKD1-related disorder. Also called: PKD1-related condition.

gnomAD v4.1: 11 of 1,597,650 alleles (0.00069%); highest among the groups gnomAD compares: African/African-American, 0.0093%; no homozygotes.

Submission:

PreventionGenetics, part of Exact Sciences
Classification: Likely benign for PKD1-related condition. Last evaluated: 2026-03-31. Review status: criteria provided, single submitter. Criteria: ACMG Guidelines, 2015. Collection method: clinical testing. Allele origin: germline.
Comment: This variant is classified as likely benign based on ACMG/AMP sequence variant interpretation guidelines (Richards et al. 2015 PMID: 25741868, with internal and published modifications).

NM_001009944.3(PKD1):c.5781C>T (p.Asn1927=)

Gene: PKD1 (polycystin 1, transient receptor potential channel interacting; minus strand). Cytogenetic location: 16p13.3.
Variant type: single nucleotide variant.
Coding change: c.5781C>T on transcript NM_001009944.3 (MANE Select); coding-DNA position 5781, C replaced by T.
Protein change: p.Asn1927=; no amino-acid change (asparagine 1927 retained).
Molecular consequence: synonymous variant.
Genome position (GRCh38, 1-based): chr16:2,109,386, G>A on the plus strand (C>T on the coding strand, the complement: PKD1 is on the minus strand). VCF-style: chr16-2109386-G-A. GRCh37 (hg19) VCF-style: chr16-2159387-G-A.
Other names: c.5781C>T, p.Asn1927= (NM_000296.4).
Identifiers: ClinVar variation 4981239 (VCV004981239.1).